The following is an entry in ClinVar:

ClinVar aggregate classification (germline): Pathogenic (1 of 4 stars; one submission).

Conditions:
Long QT syndrome (LQTS). Identifiers: MedGen C0023976, MeSH D008133, MONDO:0002442. Disease mechanism: loss of function. Inheritance: Various modes of inheritance.

Submission:

Labcorp Genetics (formerly Invitae), Labcorp
Classification: Pathogenic for Long QT syndrome. Last evaluated: 2022-07-02. Review status: criteria provided, single submitter. Criteria: Invitae Variant Classification Sherloc (09022015). Collection method: clinical testing. Allele origin: germline.
Comment: For these reasons, this variant has been classified as Pathogenic. This variant disrupts the p.Pro320His amino acid residue in KCNQ1. Other variant(s) that disrupt this residue have been determined to be pathogenic (PMID: 19540844, 22949429). This suggests that this residue is clinically significant, and that variants that disrupt this residue are likely to be disease-causing. Experimental studies and prediction algorithms are not available or were not evaluated, and the functional significance of this variant is currently unknown. This missense change has been observed in individuals with clinical features of long QT syndrome (PMID: 23392653; Invitae). Information on the frequency of this variant in the gnomAD database is not available, as this variant may be reported differently in the database. This sequence change replaces proline, which is neutral and non-polar, with serine, which is neutral and polar, at codon 320 of the KCNQ1 protein (p.Pro320Ser).

Literature cited by the submitters: PubMed 19540844; PubMed 22949429; PubMed 23392653.

NM_000218.3(KCNQ1):c.957_958delinsTT (p.Pro320Ser)

Gene: KCNQ1 (potassium voltage-gated channel subfamily Q member 1; plus strand). Cytogenetic location: 11p15.5.
Variant type: Indel.
Coding change: c.957_958delinsTT on transcript NM_000218.3 (MANE Select); coding-DNA positions 957 to 958, GC replaced by TT.
Protein change: p.Pro320Ser; replaces proline 320 with serine.
Molecular consequence: missense variant.
Genome position (GRCh38, 1-based): chr11:2,583,470-2,583,471, GC replaced by TT. VCF-style: chr11-2583470-GC-TT. GRCh37 (hg19) VCF-style: chr11-2604700-GC-TT.
Other names: c.957_958delGCinsTT, p.Pro320Ser (NM_001406836.1); c.687_688delGCinsTT, p.Pro230Ser (NM_001406837.1); c.513_514delGCinsTT, p.Pro172Ser (NM_001406838.1); c.576_577delGCinsTT, p.Pro193Ser (NM_181798.2); short protein forms P172S, P193S, P320S, P230S.
Identifiers: ClinVar variation 2129108 (VCV002129108.4), dbSNP rs2493695956, ClinGen allele CA2580082604.